The following is an entry in ClinVar:

ClinVar aggregate classification (germline): Uncertain significance (1 of 4 stars; one submission).

Submission:

Labcorp Genetics (formerly Invitae), Labcorp
Classification: Uncertain significance. Last evaluated: 2023-05-01. Review status: criteria provided, single submitter. Criteria: Invitae Variant Classification Sherloc (09022015). Collection method: clinical testing. Allele origin: germline.
Comment: In summary, the available evidence is currently insufficient to determine the role of this variant in disease. Therefore, it has been classified as a Variant of Uncertain Significance. Advanced modeling of protein sequence and biophysical properties (such as structural, functional, and spatial information, amino acid conservation, physicochemical variation, residue mobility, and thermodynamic stability) performed at Invitae indicates that this missense variant is not expected to disrupt PIGV protein function. This variant has not been reported in the literature in individuals affected with PIGV-related conditions. This variant is not present in population databases (gnomAD no frequency). This sequence change replaces leucine, which is neutral and non-polar, with proline, which is neutral and non-polar, at codon 175 of the PIGV protein (p.Leu175Pro).

NM_017837.4(PIGV):c.524T>C (p.Leu175Pro)

Gene: PIGV (phosphatidylinositol glycan anchor biosynthesis class V; plus strand). Cytogenetic location: 1p36.11.
Variant type: single nucleotide variant.
Coding change: c.524T>C on transcript NM_017837.4 (MANE Select); coding-DNA position 524, T replaced by C.
Protein change: p.Leu175Pro; replaces leucine 175 with proline.
Molecular consequence: missense variant. On other transcripts: non-coding transcript variant (1), intron variant (3).
Genome position (GRCh38, 1-based): chr1:26,794,558, T>C. VCF-style: chr1-26794558-T-C. GRCh37 (hg19) VCF-style: chr1-27121049-T-C.
Other names: c.524T>C, p.Leu175Pro (NM_001202554.2, NM_001374478.1, NM_001374480.1 and 2 more transcripts); c.143T>C, p.Leu48Pro (NM_001374483.1); c.173-276T>C (NM_001374484.1, NM_001374485.1); c.79-3005T>C (NM_001374486.1); short protein forms L175P, L48P.
Identifiers: ClinVar variation 2837604 (VCV002837604.3), dbSNP rs2522168705, ClinGen allele CA339199929.